The following is an entry in ClinVar:

ClinVar aggregate classification (germline): Pathogenic. Review status: criteria provided, multiple submitters, no conflicts (2 of 4 stars). 2 submissions from 2 submitters: Pathogenic (2). Last evaluated 2025-07-06.

Conditions:
Inborn genetic diseases. Identifiers: MedGen C0950123, MeSH D030342.
SIN3A-related intellectual disability syndrome due to a point mutation. Also called: 15q24 Microdeletion Syndrome; WITTEVEEN-KOLK SYNDROME. Identifiers: Orphanet 500166, Orphanet 94065, MedGen C4310804, MONDO:0044700, OMIM 613406.

Submissions (2):

Molecular Genetics and NGS Laboratory, Hospital Fundacion Valle Del Lili
Classification: Pathogenic for SIN3A-related intellectual disability syndrome due to a point mutation. Last evaluated: 2025-07-06. Review status: criteria provided, single submitter. Criteria: ACMG Guidelines, 2015. Collection method: clinical testing. Allele origin: unknown. Inheritance: Autosomal dominant inheritance. Affected: yes. Observed: 1 heterozygote.
Comment: Whole-exome sequencing was performed, which identified a novel heterozygous variant in the SIN3A gene: NM_001145358.1:c.3314dup (p.Tyr1105*), located in exon 19. This is a nonsense variant, predicted to result in a premature termination codon. According to the guidelines of the American College of Medical Genetics and Genomics (ACMG), this variant was classified as pathogenic based on the following criteria: PVS1 (Pathogenic Very Strong): The variant is a null (nonsense) mutation in a gene where loss of function is a well-established mechanism of disease. Null variant (nonsense) in gene SIN3A, predicted to cause NMD. Loss-of-function is a known mechanism of disease (gene has 110 reported pathogenic LOF variants). The exon contains 4 pathogenic variants. The truncated region contains 11 pathogenic variants. PM2: The variant is absent or extremely rare in large-scale population databases, supporting its rarity and possible pathogenicity. Variant not found in gnomAD genomes, good gnomAD genomes coverage = 32.3. Variant not found in gnomAD exomes, good gnomAD exomes coverage = 79.0. PM6: Although the variant was reported in a single patient with disease and parental testing was not available, this criterion supports potential pathogenicity in the absence of confirmed segregation (presumed de novo) PP4: The patient’s clinical presentation is consistent with the phenotypic spectrum of SIN3A-related disorders, particularly Witteveen-Kolk syndrome. PP5: The variant has been previously classified as pathogenic by a reputable source, although independent evaluation is still warranted. Moderate: ClinVar classifies this variant as Pathogenic, 1 star (reviewed May '24, 1 submission of which 1 is from high confidence submitter). Segregation analysis in the parents could not be performed; therefore, the inheritance pattern of the variant remains undetermined.

Ambry Genetics
Classification: Pathogenic for Inborn genetic diseases. Last evaluated: 2023-05-05. Review status: criteria provided, single submitter. Criteria: Ambry Variant Classification Scheme 2023. Collection method: clinical testing. Allele origin: germline.
Comment: The c.3314dupA (p.Y1105*) alteration, located in exon 19 (coding exon 18) of the SIN3A gene, consists of a duplication of A at position 3314. This changes the amino acid from a tyrosine (Y) to a stop codon at amino acid position 2205. This alteration is expected to result in loss of function by premature protein truncation or nonsense-mediated mRNA decay. This variant was not reported in population-based cohorts in the Genome Aggregation Database (gnomAD). Based on the available evidence, this alteration is classified as pathogenic.

NM_001145358.2(SIN3A):c.3314dup (p.Tyr1105Ter)

Gene: SIN3A (SIN3 transcription regulator family member A; minus strand). Cytogenetic location: 15q24.2.
Variant type: Duplication.
Coding change: c.3314dup on transcript NM_001145358.2 (MANE Select); coding-DNA position 3314, one base duplicated (A; older notation c.3314dupA).
Protein change: p.Tyr1105Ter; replaces tyrosine 1105 with a stop codon.
Molecular consequence: nonsense.
Genome position (GRCh38, 1-based): chr15:75,380,698, T duplicated on the plus strand (A on the coding strand, the reverse complement: SIN3A is on the minus strand). VCF-style (leftmost placement, unchanged base first): chr15-75380697-G-GT. GRCh37 (hg19) VCF-style: chr15-75673038-G-GT.
Other names: p.Tyr1105*; c.3314dup, p.Tyr1105Ter (NM_001145357.2, NM_015477.3); c.3314dup (NM_001145358.1); c.3314dupA (NM_001145358.1); short protein forms Y1105*.
Identifiers: ClinVar variation 2527586 (VCV002527586.2), dbSNP rs2543016839, ClinGen allele CA2580613292.